The following is an entry in ClinVar:

ClinVar aggregate classification (germline): Uncertain significance (1 of 4 stars; one submission).

Submission:

Labcorp Genetics (formerly Invitae), Labcorp
Classification: Uncertain significance. Last evaluated: 2022-08-27. Review status: criteria provided, single submitter. Criteria: Invitae Variant Classification Sherloc (09022015). Collection method: clinical testing. Allele origin: germline.
Comment: In summary, the available evidence is currently insufficient to determine the role of this variant in disease. Therefore, it has been classified as a Variant of Uncertain Significance. Algorithms developed to predict the effect of missense changes on protein structure and function are either unavailable or do not agree on the potential impact of this missense change (SIFT: "Deleterious"; PolyPhen-2: "Benign"; Align-GVGD: "Class C15"). This variant has not been reported in the literature in individuals affected with DSCAML1-related conditions. This variant is not present in population databases (gnomAD no frequency). This sequence change replaces valine, which is neutral and non-polar, with aspartic acid, which is acidic and polar, at codon 1195 of the DSCAML1 protein (p.Val1195Asp).

NM_020693.4(DSCAML1):c.3404T>A (p.Val1135Asp)

Gene: DSCAML1 (DS cell adhesion molecule like 1; minus strand). Cytogenetic location: 11q23.3.
Variant type: single nucleotide variant.
Coding change: c.3404T>A on transcript NM_020693.4 (MANE Select); coding-DNA position 3404, T replaced by A.
Protein change: p.Val1135Asp; replaces valine 1135 with aspartic acid.
Molecular consequence: missense variant.
Genome position (GRCh38, 1-based): chr11:117,461,458, A>T on the plus strand (T>A on the coding strand, the complement: DSCAML1 is on the minus strand). VCF-style: chr11-117461458-A-T. GRCh37 (hg19) VCF-style: chr11-117332174-A-T.
Other names: short protein forms V1135D.
Identifiers: ClinVar variation 2027146 (VCV002027146.4), dbSNP rs2543095103, ClinGen allele CA382736113.
Genomic context (GRCh38, chr11:117,461,458, plus strand): 5'-ACTGACCTGCGCCTCTCCCCTGAGTCCCAGCCATCAGTCCCAGCAGACTCACCCCCATCA[A>T]CATAGAGGGACCAGAAGATGACCCGATAGCCTTTGAGGACGCCATTGAGGGTGCTGCGCG-3'
Protein context (NP_065744.3, residues 1125-1145): GYRVIFWSLY[Val1135Asp]DGEWGEMQNI